The following is an entry in ClinVar:

NM_003235.5(TG):c.7724C>T (p.Ser2575Phe)

Gene: TG (thyroglobulin; plus strand). Cytogenetic location: 8q24.22.
Variant type: single nucleotide variant.
Coding change: c.7724C>T on transcript NM_003235.5 (MANE Select); coding-DNA position 7724, C replaced by T.
Protein change: p.Ser2575Phe; replaces serine 2575 with phenylalanine.
Molecular consequence: missense variant.
Genome position (GRCh38, 1-based): chr8:133,113,573, C>T. VCF-style: chr8-133113573-C-T. GRCh37 (hg19) VCF-style: chr8-134125817-C-T.
Other names: short protein forms S2575F.
Identifiers: ClinVar variation 3343872 (VCV003343872.1).

ClinVar aggregate classification (germline): Uncertain significance (1 of 4 stars; one submission).

gnomAD v4.1: 17 of 1,614,144 alleles (0.0011%); highest among the groups gnomAD compares: East Asian, 0.038%; no homozygotes.

Submission:

GeneDx
Classification: Uncertain significance. Last evaluated: 2024-03-20. Review status: criteria provided, single submitter. Criteria: GeneDx Variant Classification Process June 2021. Collection method: clinical testing. Allele origin: germline. Affected: yes.
Comment: Not observed at significant frequency in large population cohorts (gnomAD); In silico analysis supports that this missense variant has a deleterious effect on protein structure/function; This variant is associated with the following publications: (PMID: 32459320)